The following is an entry in ClinVar:

ClinVar aggregate classification (germline): Uncertain significance (1 of 4 stars; one submission).

Submission:

Women's Health and Genetics/Laboratory Corporation of America, LabCorp
Classification: Uncertain significance. Last evaluated: 2025-09-08. Review status: criteria provided, single submitter. Criteria: LabCorp Variant Classification Summary - May 2015. Collection method: clinical testing. Allele origin: germline.
Comment: Variant summary: HSPD1 c.607-10C>G alters a non-conserved nucleotide located at a position not widely known to affect splicing. Several computational tools predict a significant impact on normal splicing: Two predict the variant abolishes the canonical 3' acceptor site. One predict the variant weakens the canonical 3' acceptor site. One predict the variant no significant impact on splicing. However, these predictions have yet to be confirmed by functional studies. The frequency data for this variant in gnomAD is considered unreliable, as metrics indicate poor data quality at this position. To our knowledge, no occurrence of c.607-10C>G in individuals affected with HSPD1-related conditions and no experimental evidence demonstrating its impact on protein function have been reported. No submitters have cited clinical-significance assessments for this variant to ClinVar. Based on the evidence outlined above, the variant was classified as uncertain significance.

NM_002156.5(HSPD1):c.607-10C>G

Gene: HSPD1 (heat shock protein family D (Hsp60) member 1; minus strand). Cytogenetic location: 2q33.1.
Variant type: single nucleotide variant.
Coding change: c.607-10C>G on transcript NM_002156.5 (MANE Select); 10 bases into the intron before coding-DNA position 607, C replaced by G.
Molecular consequence: intron variant.
Genome position (GRCh38, 1-based): chr2:197,494,260, G>C on the plus strand (C>G on the coding strand, the complement: HSPD1 is on the minus strand). VCF-style: chr2-197494260-G-C. GRCh37 (hg19) VCF-style: chr2-198358984-G-C.
Other names: c.607-10C>G (NM_199440.2).
Identifiers: ClinVar variation 4535672 (VCV004535672.1).
Genomic context (GRCh38, chr2:197,494,260, plus strand): 5'-AAACTTCATGCCTTCAATAATTTCTAATTCATCATTCAGTGTTTTTCCATCCTATGAAAA[G>C]TCAAAGAATTAGGTATATGGATTTCATTGAACACAAAACATGGAATTACAGGCCAGATTA-3'